The following is an entry in ClinVar:

NM_006080.3(SEMA3A):c.188A>C (p.Asp63Ala)

Gene: SEMA3A (semaphorin 3A; minus strand). Cytogenetic location: 7q21.11.
Variant type: single nucleotide variant.
Coding change: c.188A>C on transcript NM_006080.3 (MANE Select); coding-DNA position 188, A replaced by C.
Protein change: p.Asp63Ala; replaces aspartic acid 63 with alanine.
Molecular consequence: missense variant.
Genome position (GRCh38, 1-based): chr7:84,134,876, T>G on the plus strand (A>C on the coding strand, the complement: SEMA3A is on the minus strand). VCF-style: chr7-84134876-T-G. GRCh37 (hg19) VCF-style: chr7-83764192-T-G.
Other names: short protein forms D63A.
Identifiers: ClinVar variation 5016683 (VCV005016683.1).
Genomic context (GRCh38, chr7:84,134,876, plus strand): 5'-ACCAGGTCGAATGAAAATATGTGATCCTTTGCTCCAACATACAGCCTACTCCGTTCCTCA[T>G]CCAAAAGGAAGGTATGATAACTGGAGCTGTTGGCCAAGCCATTGAAAGTGATCACATTGT-3'
Protein context (NP_006071.1, residues 53-73): NSSSYHTFLL[Asp63Ala]EERSRLYVGA

ClinVar aggregate classification (germline): Uncertain significance (1 of 4 stars; one submission).

Submission:

GeneDx
Classification: Uncertain significance. Last evaluated: 2026-04-11. Review status: criteria provided, single submitter. Criteria: GeneDx Variant Classification Process June 2021. Collection method: clinical testing. Allele origin: germline.
Comment: Not observed at significant frequency in large population cohorts (gnomAD); In silico analysis supports that this missense variant has a deleterious effect on protein structure/function; Has not been previously published as pathogenic or benign to our knowledge